The following is an entry in ClinVar:

ClinVar aggregate classification (germline): Conflicting classifications of pathogenicity. Review status: criteria provided, conflicting classifications (1 of 4 stars). 3 submissions from 3 submitters: Uncertain significance (1); Likely benign (2). Last evaluated 2024-11-18.

Conditions:
Hereditary hemorrhagic telangiectasia (HHT). Also called: Osler hemorrhagic telangiectasia syndrome; ORW DISEASE; Osler Weber Rendu syndrome; OSLER-RENDU-WEBER DISEASE. Identifiers: Orphanet 774, MedGen C0039445, MONDO:0019180. Disease mechanism: loss of function.

Allele frequency attached by ClinVar (database versions not stated): TOPMed 0.00002.
gnomAD v4.1: 19 of 1,613,696 alleles (0.0012%); highest among the groups gnomAD compares: South Asian, 0.018%; no homozygotes.

Submissions (3):

Women's Health and Genetics/Laboratory Corporation of America, LabCorp
Classification: Uncertain significance. Last evaluated: 2024-11-18. Review status: criteria provided, single submitter. Criteria: LabCorp Variant Classification Summary - May 2015. Collection method: clinical testing. Allele origin: germline.
Comment: Variant summary: ENG c.992-5C>A alters a non-conserved nucleotide located close to a canonical splice site and therefore could affect mRNA splicing, leading to a significantly altered protein sequence. Consensus agreement among computation tools predict no significant impact on normal splicing. However, these predictions have yet to be confirmed by functional studies. The variant allele was found at a frequency of 3.2e-05 in 251050 control chromosomes. The available data on variant occurrences in the general population are insufficient to allow any conclusion about variant significance. To our knowledge, no occurrence of c.992-5C>A in individuals affected with Hereditary Hemorrhagic Telangiectasia and no experimental evidence demonstrating its impact on protein function have been reported. ClinVar contains an entry for this variant (Variation ID: 1137939). Based on the evidence outlined above, the variant was classified as uncertain significance.

Blueprint Genetics
Classification: Likely benign. Last evaluated: 2022-01-14. Review status: criteria provided, single submitter. Criteria: ACMG Guidelines, 2015. Collection method: clinical testing. Allele origin: germline.

Labcorp Genetics (formerly Invitae), Labcorp
Classification: Likely benign for Hereditary hemorrhagic telangiectasia. Last evaluated: 2019-11-11. Review status: criteria provided, single submitter. Criteria: Invitae Variant Classification Sherloc (09022015). Collection method: clinical testing. Allele origin: germline.

NM_001114753.3(ENG):c.992-5C>A

Gene: ENG (endoglin; minus strand). Cytogenetic location: 9q34.11.
Variant type: single nucleotide variant.
Coding change: c.992-5C>A on transcript NM_001114753.3 (MANE Select); 5 bases into the intron before coding-DNA position 992, C replaced by A.
Molecular consequence: intron variant.
Genome position (GRCh38, 1-based): chr9:127,824,451, G>T on the plus strand (C>A on the coding strand, the complement: ENG is on the minus strand). VCF-style: chr9-127824451-G-T. GRCh37 (hg19) VCF-style: chr9-130586730-G-T.
Other names: c.992-5C>A (NM_000118.4, NM_001406715.1, NM_000118.3); c.446-5C>A (NM_001278138.2).
Identifiers: ClinVar variation 1137939 (VCV001137939.12), dbSNP rs765715581, ClinGen allele CA5252903.